The following is an entry in ClinVar:

NC_000012.11:g.(?_7053265)_(7055105_?)del

Gene: C12orf57 (chromosome 12 open reading frame 57; plus strand). Cytogenetic location: 12p13.31.
Variant type: Deletion.
Identifiers: ClinVar variation 583666 (VCV000583666.5).

ClinVar aggregate classification (germline): Pathogenic (1 of 4 stars; one submission).

Conditions:
Temtamy syndrome (TEMTYS). Also called: MENTAL RETARDATION WITH OR WITHOUT CRANIOFACIAL DYSMORPHISM, OCULAR COLOBOMA, OR ABNORMAL CORPUS CALLOSUM. Identifiers: Orphanet 1777, MedGen C1857512, MONDO:0009033, OMIM 218340.

Submission:

Labcorp Genetics (formerly Invitae), Labcorp
Classification: Pathogenic for Temtamy syndrome. Last evaluated: 2022-02-10. Review status: criteria provided, single submitter. Criteria: Invitae Variant Classification Sherloc (09022015). Collection method: clinical testing. Allele origin: germline.
Comment: A gross deletion of the genomic region encompassing the full coding sequence of the C12orf57 gene has been identified. Loss-of-function variants in C12orf57 are known to be pathogenic (PMID: 23453665, 24798461). The boundaries of this event are unknown as they extend beyond the assayed region for this gene and therefore may encompass additional genes. This variant has not been reported in the literature in individuals affected with C12orf57-related conditions. For these reasons, this variant has been classified as Pathogenic.

Literature cited by the submitters: PubMed 23453665; PubMed 24798461.